The following is an entry in ClinVar:

ClinVar aggregate classification (germline): Likely benign. Review status: criteria provided, multiple submitters, no conflicts (2 of 4 stars). 4 submissions from 4 submitters: Likely benign (4). Last evaluated 2023-09-29.

Conditions:
Dilated cardiomyopathy 1Z (CMD1Z). Identifiers: Orphanet 154, MedGen C2678475, MONDO:0012745, OMIM 611879.
Hypertrophic cardiomyopathy 13. Also called: TNNC1-Related Familial Hypertrophic Cardiomyopathy. Identifiers: MedGen C2750472, MONDO:0013195, OMIM 613243.
Cardiovascular phenotype. Identifiers: MedGen CN230736.

Allele frequency attached by ClinVar (database versions not stated): gnomAD exomes below 0.00001.
gnomAD v4.1: 5 of 1,613,958 alleles (0.00031%); highest among the groups gnomAD compares: Non-Finnish European, 0.00034%; no homozygotes.

Submissions (4):

Labcorp Genetics (formerly Invitae), Labcorp
Classification: Likely benign for Hypertrophic cardiomyopathy 13; Dilated cardiomyopathy 1Z. Last evaluated: 2023-09-29. Review status: criteria provided, single submitter. Criteria: Invitae Variant Classification Sherloc (09022015). Collection method: clinical testing. Allele origin: germline.

Ambry Genetics
Classification: Likely benign for Cardiovascular phenotype. Last evaluated: 2019-10-01. Review status: criteria provided, single submitter. Criteria: Ambry Variant Classification Scheme 2023. Collection method: clinical testing. Allele origin: germline.

ARUP Laboratories, Molecular Genetics and Genomics, ARUP Laboratories
Classification: Likely benign. Last evaluated: 2019-02-08. Review status: criteria provided, single submitter. Criteria: ARUP Molecular Germline Variant Investigation Process. Collection method: clinical testing. Allele origin: germline.

GeneDx
Classification: Likely benign. Last evaluated: 2016-05-23. Review status: criteria provided, single submitter. Criteria: GeneDx Variant Classification (06012015). Collection method: clinical testing. Allele origin: germline. Affected: yes.
Comment: This variant is considered likely benign or benign based on one or more of the following criteria: it is a conservative change, it occurs at a poorly conserved position in the protein, it is predicted to be benign by multiple in silico algorithms, and/or has population frequency not consistent with disease.

NM_003280.3(TNNC1):c.102C>A (p.Gly34=)

Gene: TNNC1 (troponin C1, slow skeletal and cardiac type; minus strand). Cytogenetic location: 3p21.1.
Variant type: single nucleotide variant.
Coding change: c.102C>A on transcript NM_003280.3 (MANE Select); coding-DNA position 102, C replaced by A.
Protein change: p.Gly34=; no amino-acid change (glycine 34 retained).
Molecular consequence: synonymous variant.
Genome position (GRCh38, 1-based): chr3:52,452,206, G>T on the plus strand (C>A on the coding strand, the complement: TNNC1 is on the minus strand). VCF-style: chr3-52452206-G-T. GRCh37 (hg19) VCF-style: chr3-52486222-G-T.
Other names: c.102C>A (LRG_378t1).
Identifiers: ClinVar variation 386490 (VCV000386490.17), dbSNP rs1048914110, ClinGen allele CA16604500.
Genomic context (GRCh38, chr3:52,452,206, plus strand): 5'-AGGGGTGGGGTTCTGGCCCAGCATCCTCATCACCTTGCCCAGCTCCTTGGTGCTGATGCA[G>T]CCATCCTCAGCGCCCAGCACGAAGATGTCGAAGGCTGCCTTGAACTCTGTGTTCAGGGGT-3'
Protein context (NP_003271.1, residues 24-44): FDIFVLGAED[Gly34=]CISTKELGKV